The following is an entry in ClinVar:

NM_012254.3(SLC27A5):c.1469-10C>T

Genes: SLC27A5 (solute carrier family 27 member 5; minus strand), LOC130065230 (ATAC-STARR-seq lymphoblastoid active region 15206; plus strand). Cytogenetic location: 19q13.43.
Variant type: single nucleotide variant.
Coding change: c.1469-10C>T on transcript NM_012254.3 (MANE Select); 10 bases into the intron before coding-DNA position 1469, C replaced by T.
Molecular consequence: intron variant.
Genome position (GRCh38, 1-based): chr19:58,499,700, G>A on the plus strand (C>T on the coding strand, the complement: SLC27A5 is on the minus strand). VCF-style: chr19-58499700-G-A. GRCh37 (hg19) VCF-style: chr19-59011067-G-A.
Other names: c.1217-10C>T (NM_001321196.2).
Identifiers: ClinVar variation 3358708 (VCV003358708.1).

ClinVar aggregate classification (germline): Likely benign (0 of 4 stars; one submission).

Conditions:
SLC27A5-related disorder. Also called: SLC27A5-related condition.

gnomAD v4.1: 8 of 1,610,026 alleles (0.0005%); highest among the groups gnomAD compares: African/African-American, 0.004%; no homozygotes.

Submission:

PreventionGenetics, part of Exact Sciences
Classification: Likely benign for SLC27A5-related condition. Last evaluated: 2024-03-26. Review status: no assertion criteria provided. Collection method: clinical testing. Allele origin: germline.
Comment: This variant is classified as likely benign based on ACMG/AMP sequence variant interpretation guidelines (Richards et al. 2015 PMID: 25741868, with internal and published modifications).